The following is an entry in ClinVar:

NM_001276345.2(TNNT2):c.679A>T (p.Lys227Ter)

Gene: TNNT2 (troponin T2, cardiac type; minus strand). Cytogenetic location: 1q32.1.
Variant type: single nucleotide variant.
Coding change: c.679A>T on transcript NM_001276345.2 (MANE Select); coding-DNA position 679, A replaced by T.
Protein change: p.Lys227Ter; replaces lysine 227 with a stop codon.
Molecular consequence: nonsense.
Genome position (GRCh38, 1-based): chr1:201,361,953, T>A on the plus strand (A>T on the coding strand, the complement: TNNT2 is on the minus strand). VCF-style: chr1-201361953-T-A. GRCh37 (hg19) VCF-style: chr1-201331081-T-A.
Other names: c.670A>T, p.Lys224Ter (NM_000364.4); c.649A>T, p.Lys217Ter (NM_001001430.3, NM_001276347.2); c.640A>T, p.Lys214Ter (NM_001001431.3); c.631A>T, p.Lys211Ter (NM_001001432.3); c.550A>T, p.Lys184Ter (NM_001276346.2); short protein forms K184*, K211*, K224*, K214*, K217*, K227*.
Identifiers: ClinVar variation 927370 (VCV000927370.3), dbSNP rs397516478, ClinGen allele CA344203665.

ClinVar aggregate classification (germline): Uncertain significance (1 of 4 stars; one submission).

Conditions:
Cardiomyopathy (CMYO). Also called: Cardiomyopathies. Identifiers: Orphanet 167848, MedGen C0878544, MONDO:0004994, HP:0001638. Inheritance: Various modes of inheritance.

Submission:

Color Diagnostics, LLC DBA Color Health
Classification: Uncertain significance for Cardiomyopathy. Last evaluated: 2019-11-15. Review status: criteria provided, single submitter. Criteria: ACMG Guidelines, 2015. Collection method: clinical testing. Allele origin: germline.
Comment: This variant changes 1 nucleotide in exon 13 of the TNNT2 gene, creating a premature translation stop signal. This variant is expected to result in an absent or non-functional protein product. Splice site prediction tools suggest that this variant may not impact RNA splicing. To our knowledge, functional studies have not been performed for this variant. This variant has not been reported in individuals affected with cardiovascular disorders in the literature. This variant has not been identified in the general population by the Genome Aggregation Database (gnomAD). Clinical significance of loss-of-function truncation variants in the TNNT2 gene is not clearly established. The available evidence is insufficient to determine the role of this variant in disease conclusively. Therefore, this variant is classified as a Variant of Uncertain Significance.